The following is an entry in ClinVar:

NM_017617.5(NOTCH1):c.3192C>G (p.Asp1064Glu)

Gene: NOTCH1 (notch receptor 1; minus strand). Cytogenetic location: 9q34.3.
Variant type: single nucleotide variant.
Coding change: c.3192C>G on transcript NM_017617.5 (MANE Select); coding-DNA position 3192, C replaced by G.
Protein change: p.Asp1064Glu; replaces aspartic acid 1064 with glutamic acid.
Molecular consequence: missense variant.
Genome position (GRCh38, 1-based): chr9:136,508,365, G>C on the plus strand (C>G on the coding strand, the complement: NOTCH1 is on the minus strand). VCF-style: chr9-136508365-G-C. GRCh37 (hg19) VCF-style: chr9-139402817-G-C.
Other names: c.3192C>G, p.Asp1064Glu (LRG_1122t1); short protein forms D1064E.
Identifiers: ClinVar variation 134924 (VCV000134924.2), dbSNP rs587778565, ClinGen allele CA161175.

ClinVar aggregate classification (germline): Likely benign. Review status: criteria provided, single submitter (1 of 4 stars). 2 submissions from 2 submitters: Likely benign (1). 1 of the submissions does not count toward it. Last evaluated 2025-10-19.

Conditions:
Adams-Oliver syndrome 5 (AOS5). Identifiers: Orphanet 974, MedGen C4014970, MONDO:0014459, OMIM 616028.

Allele frequency attached by ClinVar (database versions not stated): gnomAD exomes below 0.00001; gnomAD 0.00001; TOPMed 0.00001.
gnomAD v4.1: 2 of 1,613,128 alleles (0.00012%); highest among the groups gnomAD compares: African/African-American, 0.0027%; no homozygotes.

Submissions (2):

Labcorp Genetics (formerly Invitae), Labcorp
Classification: Likely benign for Adams-Oliver syndrome 5. Last evaluated: 2025-10-19. Review status: criteria provided, single submitter. Criteria: Invitae Variant Classification Sherloc (09022015). Collection method: clinical testing. Allele origin: germline.

ITMI
No classification provided. Condition: AllHighlyPenetrant. Last evaluated: 2013-09-19. Review status: no classification provided. Collection method: reference population. Allele origin: germline. Not counted in ClinVar's aggregate classification.
Comment: Please see associated publication for description of ethnicities

Literature cited by the submitters: PubMed 24728327 (cited by ITMI).